The following is an entry in ClinVar:

NM_002332.3(LRP1):c.12329A>C (p.Asn4110Thr)

Gene: LRP1 (LDL receptor related protein 1; plus strand). Cytogenetic location: 12q13.3.
Variant type: single nucleotide variant.
Coding change: c.12329A>C on transcript NM_002332.3 (MANE Select); coding-DNA position 12329, A replaced by C.
Protein change: p.Asn4110Thr; replaces asparagine 4110 with threonine.
Molecular consequence: missense variant.
Genome position (GRCh38, 1-based): chr12:57,209,758, A>C. VCF-style: chr12-57209758-A-C. GRCh37 (hg19) VCF-style: chr12-57603541-A-C.
Other names: short protein forms N4110T.
Identifiers: ClinVar variation 4975212 (VCV004975212.1).

ClinVar aggregate classification (germline): Uncertain significance (1 of 4 stars; one submission).

Submission:

GeneDx
Classification: Uncertain significance. Last evaluated: 2025-12-06. Review status: criteria provided, single submitter. Criteria: GeneDx Variant Classification Process June 2021. Collection method: clinical testing. Allele origin: germline.
Comment: Not observed at significant frequency in large population cohorts (gnomAD); In silico analysis suggests that this missense variant does not alter protein structure/function; Has not been previously published as pathogenic or benign to our knowledge; Variants in candidate genes are classified as variants of uncertain significance in accordance with ACMG guidelines (PMID: 25741868)